The following is an entry in ClinVar:

ClinVar aggregate classification (germline): Uncertain significance. Review status: criteria provided, multiple submitters, no conflicts (2 of 4 stars). 3 submissions from 3 submitters: Uncertain significance (2). 1 of the submissions does not count toward it. Last evaluated 2023-12-07.

Conditions:
Cardiovascular phenotype. Identifiers: MedGen CN230736.
Catecholaminergic polymorphic ventricular tachycardia 1. Also called: RYR2-Related Catecholaminergic Polymorphic Ventricular Tachycardia; VENTRICULAR TACHYCARDIA, CATECHOLAMINERGIC POLYMORPHIC, 1, WITH OR WITHOUT ATRIAL DYSFUNCTION AND/OR DILATED CARDIOMYOPATHY; VENTRICULAR TACHYCARDIA, STRESS-INDUCED POLYMORPHIC 1. Identifiers: Orphanet 3286, MedGen C1631597, MONDO:0011484, OMIM 604772.

Submissions (3):

Labcorp Genetics (formerly Invitae), Labcorp
Classification: Uncertain significance for Catecholaminergic polymorphic ventricular tachycardia 1. Last evaluated: 2023-12-07. Review status: criteria provided, single submitter. Criteria: Invitae Variant Classification Sherloc (09022015). Collection method: clinical testing. Allele origin: germline.
Comment: This sequence change replaces glycine, which is neutral and non-polar, with valine, which is neutral and non-polar, at codon 4749 of the RYR2 protein (p.Gly4749Val). This variant is not present in population databases (gnomAD no frequency). This missense change has been observed in individual(s) with catecholaminergic polymorphic ventricular tachycardia (PMID: 29453246). ClinVar contains an entry for this variant (Variation ID: 560658). Advanced modeling of protein sequence and biophysical properties (such as structural, functional, and spatial information, amino acid conservation, physicochemical variation, residue mobility, and thermodynamic stability) performed at Invitae indicates that this missense variant is expected to disrupt RYR2 protein function with a positive predictive value of 95%. In summary, the available evidence is currently insufficient to determine the role of this variant in disease. Therefore, it has been classified as a Variant of Uncertain Significance.

Ambry Genetics
Classification: Uncertain significance for Cardiovascular phenotype. Last evaluated: 2021-10-21. Review status: criteria provided, single submitter. Criteria: Ambry Variant Classification Scheme 2023. Collection method: clinical testing. Allele origin: germline.
Comment: The p.G4749V variant (also known as c.14246G>T), located in coding exon 99 of the RYR2 gene, results from a G to T substitution at nucleotide position 14246. The glycine at codon 4749 is replaced by valine, an amino acid with dissimilar properties. This variant has been reported in a catecholaminergic polymorphic ventricular tachycardia (CPVT) genetic testing cohort; however, clinical details were limited (Kapplinger JD et al. Circ Genom Precis Med, 2018 02;11:e001424). This amino acid position is highly conserved in available vertebrate species. In addition, this alteration is predicted to be deleterious by in silico analysis. Since supporting evidence is limited at this time, the clinical significance of this alteration remains unclear.

Clinical Molecular Genetics Laboratory, Johns Hopkins All Children's Hospital
Classification: Uncertain significance. Last evaluated: 2015-11-05. Review status: no assertion criteria provided. Collection method: clinical testing. Allele origin: germline. Affected: yes. Not counted in ClinVar's aggregate classification.

Literature cited by the submitters: PubMed 29453246 (cited by Labcorp Genetics (formerly Invitae), Labcorp and Ambry Genetics).

NM_001035.3(RYR2):c.14246G>T (p.Gly4749Val)

Gene: RYR2 (ryanodine receptor 2; plus strand). Cytogenetic location: 1q43.
Variant type: single nucleotide variant.
Coding change: c.14246G>T on transcript NM_001035.3 (MANE Select); coding-DNA position 14246, G replaced by T.
Protein change: p.Gly4749Val; replaces glycine 4749 with valine.
Molecular consequence: missense variant.
Genome position (GRCh38, 1-based): chr1:237,806,231, G>T. VCF-style: chr1-237806231-G-T. GRCh37 (hg19) VCF-style: chr1-237969531-G-T.
Other names: c.14246G>T, p.Gly4749Val (LRG_402t1); short protein forms G4749V.
Identifiers: ClinVar variation 560658 (VCV000560658.12), dbSNP rs1558457775, ClinGen allele CA345423136.